The following is an entry in ClinVar:

ClinVar aggregate classification (germline): Benign. Review status: criteria provided, single submitter (1 of 4 stars). 2 submissions from 2 submitters: Benign (1). 1 of the submissions does not count toward it. Last evaluated 2024-08-01.

Conditions:
CD33-related disorder. Also called: CD33-related condition.

Submissions (2):

CeGaT Center for Human Genetics Tuebingen
Classification: Benign. Last evaluated: 2024-08-01. Review status: criteria provided, single submitter. Criteria: CeGaT Center For Human Genetics Tuebingen Variant Classification Criteria Version 2. Collection method: clinical testing. Allele origin: germline. Affected: yes. Observed: 2 variant alleles.
Comment: CD33: BS1, BS2

PreventionGenetics, part of Exact Sciences
Classification: Likely benign for CD33-related condition. Last evaluated: 2024-07-17. Review status: no assertion criteria provided. Collection method: clinical testing. Allele origin: germline. Not counted in ClinVar's aggregate classification.
Comment: This variant is classified as likely benign based on ACMG/AMP sequence variant interpretation guidelines (Richards et al. 2015 PMID: 25741868, with internal and published modifications).

NM_001772.4(CD33):c.466_469del (p.Gly156fs)

Gene: CD33 (CD33 molecule; plus strand). Cytogenetic location: 19q13.41.
Variant type: Deletion.
Coding change: c.466_469del on transcript NM_001772.4 (MANE Select); coding-DNA positions 466 to 469, 4 bases deleted (GGCC; older notation c.466_469delGGCC).
Protein change: p.Gly156fs; shifts the reading frame from glycine 156.
Molecular consequence: frameshift variant.
Genome position (GRCh38, 1-based): chr19:51,225,850-51,225,853, GGCC deleted; deleting any 4 consecutive bases within chr19:51,225,848-51,225,853 gives the same sequence; the c. name uses the placement nearest the transcript's 3' end. VCF-style (leftmost placement, unchanged base first): chr19-51225847-CCCGG-C. GRCh37 (hg19) VCF-style: chr19-51729103-CCCGG-C.
Other names: c.466_469delGGCC (NM_001772.3); c.85_88del, p.Gly29fs (NM_001082618.2); c.466_469del, p.Gly156fs (NM_001177608.2); short protein forms G156fs, G29fs.
Identifiers: ClinVar variation 3024703 (VCV003024703.22), dbSNP rs201074739, ClinGen allele CA9609662.